The following is an entry in ClinVar:

NM_206933.4(USH2A):c.6326-2A>G

Gene: USH2A (usherin; minus strand). Cytogenetic location: 1q41.
Variant type: single nucleotide variant.
Coding change: c.6326-2A>G on transcript NM_206933.4 (MANE Select); the canonical splice acceptor site of the intron before coding-DNA position 6326, A replaced by G.
Molecular consequence: splice acceptor variant.
Genome position (GRCh38, 1-based): chr1:216,000,564, T>C on the plus strand (A>G on the coding strand, the complement: USH2A is on the minus strand). VCF-style: chr1-216000564-T-C. GRCh37 (hg19) VCF-style: chr1-216173906-T-C.
Identifiers: ClinVar variation 556194 (VCV000556194.8), dbSNP rs1553287118, ClinGen allele CA344862029.

ClinVar aggregate classification (germline): Likely pathogenic. Review status: criteria provided, multiple submitters, no conflicts (2 of 4 stars). 4 submissions from 3 submitters: Likely pathogenic (3). 1 of the submissions does not count toward it. Last evaluated 2023-04-11.

Conditions:
Usher syndrome type 2A. Also called: RETINAL DISEASE IN USHER SYNDROME TYPE IIA, MODIFIER OF; USHER SYNDROME, TYPE IIA. Identifiers: Orphanet 231178, Orphanet 886, MedGen C1848634, MONDO:0010169, OMIM 276901.
Retinitis pigmentosa 39 (RP39). Identifiers: Orphanet 791, MedGen C3151138, MONDO:0013436, OMIM 613809.

Allele frequency attached by ClinVar (database versions not stated): TOPMed below 0.00001.

Submissions (4):

Genome-Nilou Lab
Classification: Likely pathogenic for Retinitis pigmentosa 39. Last evaluated: 2023-04-11. Review status: criteria provided, single submitter. Criteria: ACMG Guidelines, 2015. Collection method: clinical testing. Allele origin: germline. Affected: no.

Genome-Nilou Lab
Classification: Likely pathogenic for Usher syndrome type 2A. Last evaluated: 2023-04-11. Review status: criteria provided, single submitter. Criteria: ACMG Guidelines, 2015. Collection method: clinical testing. Allele origin: germline. Affected: no.

Labcorp Genetics (formerly Invitae), Labcorp
Classification: Likely pathogenic. Last evaluated: 2022-02-19. Review status: criteria provided, single submitter. Criteria: Invitae Variant Classification Sherloc (09022015). Collection method: clinical testing. Allele origin: germline.
Comment: This sequence change affects an acceptor splice site in intron 32 of the USH2A gene. It is expected to disrupt RNA splicing. Variants that disrupt the donor or acceptor splice site typically lead to a loss of protein function (PMID: 16199547), and loss-of-function variants in USH2A are known to be pathogenic (PMID: 10729113, 10909849, 20507924, 25649381). This variant is not present in population databases (gnomAD no frequency). In summary, the currently available evidence indicates that the variant is pathogenic, but additional data are needed to prove that conclusively. Therefore, this variant has been classified as Likely Pathogenic. Algorithms developed to predict the effect of sequence changes on RNA splicing suggest that this variant may disrupt the consensus splice site. ClinVar contains an entry for this variant (Variation ID: 556194). Disruption of this splice site has been observed in individual(s) with USH2A-related conditions (PMID: 33946315).

Counsyl
Classification: Likely pathogenic for Usher syndrome type 2A; Retinitis pigmentosa 39. Last evaluated: 2018-01-17. Review status: no assertion criteria provided. Collection method: clinical testing. Allele origin: unknown. Not counted in ClinVar's aggregate classification.

Literature cited by the submitters: PubMed 16199547 (cited by Labcorp Genetics (formerly Invitae), Labcorp); PubMed 10729113 (cited by Labcorp Genetics (formerly Invitae), Labcorp); PubMed 10909849 (cited by Labcorp Genetics (formerly Invitae), Labcorp); PubMed 20507924 (cited by Labcorp Genetics (formerly Invitae), Labcorp); PubMed 25649381 (cited by Labcorp Genetics (formerly Invitae), Labcorp); PubMed 33946315 (cited by Labcorp Genetics (formerly Invitae), Labcorp).